The following is an entry in ClinVar:

ClinVar aggregate classification (germline): Uncertain significance (1 of 4 stars; one submission).

Allele frequency attached by ClinVar (database versions not stated): gnomAD 0.00001.
gnomAD v4.1: 26 of 1,613,420 alleles (0.0016%); highest among the groups gnomAD compares: Non-Finnish European, 0.0022%; no homozygotes.

Submission:

GeneDx
Classification: Uncertain significance. Last evaluated: 2022-12-15. Review status: criteria provided, single submitter. Criteria: GeneDx Variant Classification Process June 2021. Collection method: clinical testing. Allele origin: germline. Affected: yes.
Comment: Not observed at significant frequency in large population cohorts (gnomAD); In silico analysis supports that this missense variant has a deleterious effect on protein structure/function; Has not been previously published as pathogenic or benign to our knowledge

NM_005529.7(HSPG2):c.7820G>A (p.Gly2607Asp)

Gene: HSPG2 (heparan sulfate proteoglycan 2; minus strand). Cytogenetic location: 1p36.12.
Variant type: single nucleotide variant.
Coding change: c.7820G>A on transcript NM_005529.7 (MANE Select); coding-DNA position 7820, G replaced by A.
Protein change: p.Gly2607Asp; replaces glycine 2607 with aspartic acid.
Molecular consequence: missense variant.
Genome position (GRCh38, 1-based): chr1:21,848,011, C>T on the plus strand (G>A on the coding strand, the complement: HSPG2 is on the minus strand). VCF-style: chr1-21848011-C-T. GRCh37 (hg19) VCF-style: chr1-22174504-C-T.
Other names: c.7823G>A, p.Gly2608Asp (NM_001291860.2); short protein forms G2607D, G2608D.
Identifiers: ClinVar variation 2505587 (VCV002505587.1), dbSNP rs952847115, ClinGen allele CA338922146.